The following is an entry in ClinVar:

NM_147127.5(EVC2):c.209G>T (p.Gly70Val)

Gene: EVC2 (EvC ciliary complex subunit 2; minus strand). Cytogenetic location: 4p16.2.
Variant type: single nucleotide variant.
Coding change: c.209G>T on transcript NM_147127.5 (MANE Select); coding-DNA position 209, G replaced by T.
Protein change: p.Gly70Val; replaces glycine 70 with valine.
Molecular consequence: missense variant. On other transcripts: intron variant (1).
Genome position (GRCh38, 1-based): chr4:5,708,305, C>A on the plus strand (G>T on the coding strand, the complement: EVC2 is on the minus strand). VCF-style: chr4-5708305-C-A. GRCh37 (hg19) VCF-style: chr4-5710032-C-A.
Other names: c.-13+524G>T (NM_001166136.2); short protein forms G70V.
Identifiers: ClinVar variation 767336 (VCV000767336.15), dbSNP rs754380041, ClinGen allele CA2835549.

ClinVar aggregate classification (germline): Benign/Likely benign. Review status: criteria provided, multiple submitters, no conflicts (2 of 4 stars). 3 submissions from 3 submitters: Benign (1); Likely benign (1). 1 of the submissions does not count toward it. Last evaluated 2026-07-01.

Conditions:
Ellis-van Creveld syndrome (EVC). Also called: MESOECTODERMAL DYSPLASIA; Chondroectodermal dysplasia. Identifiers: Orphanet 289, MedGen C0013903, MONDO:0009162, OMIM 225500.
Curry-Hall syndrome (WAD). Also called: WEYERS ACRODENTAL DYSOSTOSIS. Identifiers: Orphanet 952, MedGen C0457013, MONDO:0008673, OMIM 193530.
EVC2-related disorder. Also called: EVC2-related condition.

Allele frequency attached by ClinVar (database versions not stated): ExAC below 0.00001; gnomAD exomes 0.00004 and 0.00048; gnomAD 0.00005; TOPMed 0.00016; 1000 Genomes Project 30x 0.00031.

Submissions (3):

CeGaT Center for Human Genetics Tuebingen
Classification: Likely benign. Last evaluated: 2026-07-01. Review status: criteria provided, single submitter. Criteria: CeGaT Center For Human Genetics Tuebingen Variant Classification Criteria Version 2. Collection method: clinical testing. Allele origin: germline. Affected: yes. Observed: 1 variant allele.
Comment: EVC2: BS2

Labcorp Genetics (formerly Invitae), Labcorp
Classification: Benign for Curry-Hall syndrome; Ellis-van Creveld syndrome. Last evaluated: 2026-01-28. Review status: criteria provided, single submitter. Criteria: Invitae Variant Classification Sherloc (09022015). Collection method: clinical testing. Allele origin: germline.

PreventionGenetics, part of Exact Sciences
Classification: Likely benign for EVC2-related condition. Last evaluated: 2023-08-07. Review status: no assertion criteria provided. Collection method: clinical testing. Allele origin: germline. Not counted in ClinVar's aggregate classification.
Comment: This variant is classified as likely benign based on ACMG/AMP sequence variant interpretation guidelines (Richards et al. 2015 PMID: 25741868, with internal and published modifications).